The following is an entry in ClinVar:

NM_001035235.4(SRA1):c.165_166del (p.Glu55fs)

Gene: SRA1 (steroid receptor RNA activator 1; minus strand). Cytogenetic location: 5q31.3.
Variant type: Microsatellite.
Coding change: c.165_166del on transcript NM_001035235.4 (MANE Select); coding-DNA positions 165 to 166, 2 bases deleted (GA; older notation c.165_166delGA).
Protein change: p.Glu55fs; shifts the reading frame from glutamic acid 55.
Molecular consequence: frameshift variant. On other transcripts: non-coding transcript variant (2), intron variant (1).
Genome position (GRCh38, 1-based): chr5:140,552,170-140,552,171, TC deleted on the plus strand (GA on the coding strand, the reverse complement: SRA1 is on the minus strand); deleting any 2 consecutive bases within chr5:140,552,170-140,552,174 gives the same sequence; the c. name uses the placement nearest the transcript's 3' end. VCF-style (leftmost placement, unchanged base first): chr5-140552169-GTC-G. GRCh37 (hg19) VCF-style: chr5-139931754-GTC-G.
Other names: c.307-1002_307-1001del (NM_001253764.2); short protein forms E55fs.
Identifiers: ClinVar variation 3004064 (VCV003004064.3), dbSNP rs778621681, ClinGen allele CA3440649.

ClinVar aggregate classification (germline): Uncertain significance (1 of 4 stars; one submission).

Submission:

Labcorp Genetics (formerly Invitae), Labcorp
Classification: Uncertain significance. Last evaluated: 2023-02-10. Review status: criteria provided, single submitter. Criteria: Invitae Variant Classification Sherloc (09022015). Collection method: clinical testing. Allele origin: germline.
Comment: This variant is present in population databases (rs778621681, gnomAD 0.004%). In summary, the available evidence is currently insufficient to determine the role of this variant in disease. Therefore, it has been classified as a Variant of Uncertain Significance. This variant has not been reported in the literature in individuals affected with SRA1-related conditions. This sequence change creates a premature translational stop signal (p.Glu67Aspfs*16) in the SRA1 gene. It is expected to result in an absent or disrupted protein product. However, the current clinical and genetic evidence is not sufficient to establish whether loss-of-function variants in SRA1 cause disease.